The following is an entry in ClinVar:

NM_004069.6(AP2S1):c.124C>G (p.Arg42Gly)

Gene: AP2S1 (adaptor related protein complex 2 subunit sigma 1; minus strand). Cytogenetic location: 19q13.32.
Variant type: single nucleotide variant.
Coding change: c.124C>G on transcript NM_004069.6 (MANE Select); coding-DNA position 124, C replaced by G.
Protein change: p.Arg42Gly; replaces arginine 42 with glycine.
Molecular consequence: missense variant.
Genome position (GRCh38, 1-based): chr19:46,846,022, G>C on the plus strand (C>G on the coding strand, the complement: AP2S1 is on the minus strand). VCF-style: chr19-46846022-G-C. GRCh37 (hg19) VCF-style: chr19-47349279-G-C.
Other names: c.172C>G, p.Arg58Gly (NM_001301076.3); c.124C>G, p.Arg42Gly (NM_001301078.3, NM_021575.5); c.130C>G, p.Arg44Gly (NM_001301081.3); short protein forms R42G, R44G, R58G.
Identifiers: ClinVar variation 1708825 (VCV001708825.4), dbSNP rs1599771707, ClinGen allele CA406509773.
Genomic context (GRCh38, chr19:46,846,022, plus strand): 5'-CGGGGTGCAGGAGGCATGGAGCGGGCGTCACCTCCACAAAGTTGGTGTGTTTGGCGTCTC[G>C]GACGGTGACCACGGCATGCACCTCCTCGATCAGCTTCTGTTTCTCATCATCATCAAACTG-3'
Protein context (NP_004060.2, residues 32-52): IEEVHAVVTV[Arg42Gly]DAKHTNFVEF

ClinVar aggregate classification (germline): Uncertain significance (1 of 4 stars; one submission).

Submission:

GeneDx
Classification: Uncertain significance. Last evaluated: 2023-07-19. Review status: criteria provided, single submitter. Criteria: GeneDx Variant Classification Process June 2021. Collection method: clinical testing. Allele origin: germline. Affected: yes.
Comment: Not observed at significant frequency in large population cohorts (gnomAD); In silico analysis supports that this missense variant has a deleterious effect on protein structure/function; Has not been previously published as pathogenic or benign to our knowledge